The following is an entry in ClinVar:

ClinVar aggregate classification (germline): Uncertain significance. Review status: criteria provided, multiple submitters, no conflicts (2 of 4 stars). 2 submissions from 2 submitters: Uncertain significance (2). Last evaluated 2023-08-31.

Conditions:
Developmental and epileptic encephalopathy, 64. Also called: EPILEPTIC ENCEPHALOPATHY, EARLY INFANTILE, 64. Identifiers: MedGen C4693899, MONDO:0033373, OMIM 618004.

Allele frequency attached by ClinVar (database versions not stated): ExAC 0.00001.
gnomAD v4.1: 3 of 1,604,206 alleles (0.00019%); highest among the groups gnomAD compares: South Asian, 0.0033%; no homozygotes.

Submissions (2):

Labcorp Genetics (formerly Invitae), Labcorp
Classification: Uncertain significance. Last evaluated: 2023-08-31. Review status: criteria provided, single submitter. Criteria: Invitae Variant Classification Sherloc (09022015). Collection method: clinical testing. Allele origin: germline.
Comment: An algorithm developed to predict the effect of missense changes on protein structure and function (PolyPhen-2) suggests that this variant is likely to be tolerated. This variant has not been reported in the literature in individuals affected with RHOBTB2-related conditions. This variant is present in population databases (rs780789386, gnomAD 0.003%). This sequence change replaces histidine, which is basic and polar, with glutamine, which is neutral and polar, at codon 337 of the RHOBTB2 protein (p.His337Gln). In summary, the available evidence is currently insufficient to determine the role of this variant in disease. Therefore, it has been classified as a Variant of Uncertain Significance.

Neuberg Centre For Genomic Medicine, NCGM
Classification: Uncertain significance for Developmental and epileptic encephalopathy, 64. Last evaluated: 2023-03-01. Review status: criteria provided, single submitter. Criteria: ACMG Guidelines, 2015. Collection method: clinical testing. Allele origin: germline. Inheritance: Autosomal dominant inheritance. Affected: yes.
Comment: The missense c.945C>A (p.His315Gln) variant in RHOBTB2 gene has not been reported previously as a pathogenic variant nor as a benign variant, to our knowledge. The p.His315Gln variant has allele freuency 0.0004% in gnomAD Exomes and is novel (not in any individuals) in 1000 Genomes. This variant has not been reported to the ClinVar database. The amino acid change p.His315Gln in RHOBTB2 is predicted as conserved by GERP++ and PhyloP across 100 vertebrates. The amino acid His at position 315 is changed to a Gln changing protein sequence and it might alter its composition and physico-chemical properties. For these reasons, this variant has been classified as Variant of Uncertain Significance (VUS).

NM_015178.3(RHOBTB2):c.945C>A (p.His315Gln)

Gene: RHOBTB2 (Rho related BTB domain containing 2; plus strand). Cytogenetic location: 8p21.3.
Variant type: single nucleotide variant.
Coding change: c.945C>A on transcript NM_015178.3 (MANE Select); coding-DNA position 945, C replaced by A.
Protein change: p.His315Gln; replaces histidine 315 with glutamine.
Molecular consequence: missense variant.
Genome position (GRCh38, 1-based): chr8:23,007,190, C>A. VCF-style: chr8-23007190-C-A. GRCh37 (hg19) VCF-style: chr8-22864703-C-A.
Other names: c.1011C>A, p.His337Gln (NM_001160036.2); c.966C>A, p.His322Gln (NM_001160037.2); c.945C>A, p.His315Gln (NM_001374791.1); short protein forms H315Q, H322Q, H337Q.
Identifiers: ClinVar variation 2671785 (VCV002671785.4), dbSNP rs780789386, ClinGen allele CA4672571.